The following is an entry in ClinVar:

NM_003816.3(ADAM9):c.1741A>T (p.Ile581Leu)

Gene: ADAM9 (ADAM metallopeptidase domain 9; plus strand). Cytogenetic location: 8p11.22.
Variant type: single nucleotide variant.
Coding change: c.1741A>T on transcript NM_003816.3 (MANE Select); coding-DNA position 1741, A replaced by T.
Protein change: p.Ile581Leu; replaces isoleucine 581 with leucine.
Molecular consequence: missense variant. On other transcripts: non-coding transcript variant (3).
Genome position (GRCh38, 1-based): chr8:39,077,271, A>T. VCF-style: chr8-39077271-A-T. GRCh37 (hg19) VCF-style: chr8-38934790-A-T.
Other names: c.1741A>T (NM_003816.2); short protein forms I581L.
Identifiers: ClinVar variation 1003384 (VCV001003384.5), dbSNP rs771958240, ClinGen allele CA4721715.

ClinVar aggregate classification (germline): Uncertain significance. Review status: criteria provided, multiple submitters, no conflicts (2 of 4 stars). 3 submissions from 3 submitters: Uncertain significance (3). Last evaluated 2025-08-10.

Conditions:
Inborn genetic diseases. Identifiers: MedGen C0950123, MeSH D030342.

Allele frequency attached by ClinVar (database versions not stated): TOPMed 0.00006.
gnomAD v4.1: 42 of 1,614,030 alleles (0.0026%); highest among the groups gnomAD compares: Non-Finnish European, 0.0032%; no homozygotes.

Submissions (3):

Ambry Genetics
Classification: Uncertain significance for Inborn genetic diseases. Last evaluated: 2025-08-10. Review status: criteria provided, single submitter. Criteria: Ambry Variant Classification Scheme 2023. Collection method: clinical testing. Allele origin: germline.

Blueprint Genetics
Classification: Uncertain significance. Last evaluated: 2024-11-18. Review status: criteria provided, single submitter. Criteria: ACMG Guidelines, 2015. Collection method: clinical testing. Allele origin: germline.

Labcorp Genetics (formerly Invitae), Labcorp
Classification: Uncertain significance. Last evaluated: 2022-11-22. Review status: criteria provided, single submitter. Criteria: Invitae Variant Classification Sherloc (09022015). Collection method: clinical testing. Allele origin: germline.
Comment: In summary, the available evidence is currently insufficient to determine the role of this variant in disease. Therefore, it has been classified as a Variant of Uncertain Significance. Advanced modeling of protein sequence and biophysical properties (such as structural, functional, and spatial information, amino acid conservation, physicochemical variation, residue mobility, and thermodynamic stability) performed at Invitae indicates that this missense variant is not expected to disrupt ADAM9 protein function. ClinVar contains an entry for this variant (Variation ID: 1003384). This variant has not been reported in the literature in individuals affected with ADAM9-related conditions. This variant is present in population databases (rs771958240, gnomAD 0.009%). This sequence change replaces isoleucine, which is neutral and non-polar, with leucine, which is neutral and non-polar, at codon 581 of the ADAM9 protein (p.Ile581Leu).